The following is an entry in ClinVar:

ClinVar aggregate classification (germline): Pathogenic (1 of 4 stars; one submission).

Conditions:
Kleefstra syndrome 1 (KLEFS1). Identifiers: Orphanet 261494, MedGen C0795833, MONDO:0027407, OMIM 610253.

Submission:

Laboratory of Genetics, Children's Clinical University Hospital Latvia
Classification: Pathogenic for Kleefstra syndrome 1. Review status: criteria provided, single submitter. Criteria: ACMG Guidelines, 2015. Collection method: curation. Allele origin: de novo. Affected: yes.
Comment: de novo

Literature cited by the submitters: PubMed 39013458.

NM_024757.5(EHMT1):c.2645_2646del (p.Glu882fs)

Gene: EHMT1 (euchromatic histone lysine methyltransferase 1; plus strand). Cytogenetic location: 9q34.3.
Variant type: Microsatellite.
Coding change: c.2645_2646del on transcript NM_024757.5 (MANE Select); coding-DNA positions 2645 to 2646, 2 bases deleted (AG; older notation c.2645_2646delAG).
Protein change: p.Glu882fs; shifts the reading frame from glutamic acid 882.
Molecular consequence: frameshift variant.
Genome position (GRCh38, 1-based): chr9:137,800,917-137,800,918, AG deleted; deleting any 2 consecutive bases within chr9:137,800,915-137,800,918 gives the same sequence; the c. name uses the placement nearest the transcript's 3' end. VCF-style (leftmost placement, unchanged base first): chr9-137800914-CAG-C. GRCh37 (hg19) VCF-style: chr9-140695366-CAG-C.
Other names: c.2624_2625del, p.Glu875fs (NM_001354263.2); short protein forms E875fs, E882fs.
Identifiers: ClinVar variation 3236881 (VCV003236881.1).